The following is an entry in ClinVar:

ClinVar aggregate classification (germline): Uncertain significance (0 of 4 stars; one submission).

Conditions:
SHOX-related disorder. Also called: SHOX-related condition.

gnomAD v4.1: 1 of 1,613,360 alleles (0.000062%); highest among the groups gnomAD compares: Non-Finnish European, 0.000085%; no homozygotes.

Submission:

PreventionGenetics, part of Exact Sciences
Classification: Uncertain significance for SHOX-related condition. Last evaluated: 2024-09-04. Review status: no assertion criteria provided. Collection method: clinical testing. Allele origin: germline.
Comment: The SHOX c.231T>A variant is predicted to result in the amino acid substitution p.Asn77Lys. To our knowledge, this variant has not been reported in the literature or in a large population database, indicating this variant is rare. At this time, the clinical significance of this variant is uncertain due to the absence of conclusive functional and genetic evidence.

NM_000451.4(SHOX):c.231T>A (p.Asn77Lys)

Gene: SHOX (SHOX homeobox; plus strand). Cytogenetic location: Xp22.33.
Variant type: single nucleotide variant.
Coding change: c.231T>A on transcript NM_000451.4 (MANE Select); coding-DNA position 231, T replaced by A.
Protein change: p.Asn77Lys; replaces asparagine 77 with lysine.
Molecular consequence: missense variant.
Genome position (GRCh38, 1-based): chrX:631,128, T>A. VCF-style: chrX-631128-T-A. GRCh37 (hg19) VCF-style: chrX-591863-T-A.
Other names: c.231T>A, p.Asn77Lys (NM_006883.2); short protein forms N77K.
Identifiers: ClinVar variation 3344568 (VCV003344568.1).